The following is an entry in ClinVar:

Conditions:
Long QT syndrome 5 (LQT5). Identifiers: Orphanet 101016, Orphanet 768, MedGen C1867904, MONDO:0013372, OMIM 613695.

Submission:

Roden Lab, Vanderbilt University Medical Center
No classification provided (evidence only). Condition: Long QT syndrome 5. Review status: no classification provided. Collection method: in vitro. Allele origin: not applicable. Functional consequence: Effect on ion channel function.
ClinVar note: "not provided" was previously submitted as the classification for the variant. However, the classification appeared to be based only on an observation of functional data so it was converted to no classification on 2025-07-30.

NM_000219.6(KCNE1):c.239T>G (p.Val80Gly)

Gene: KCNE1 (potassium voltage-gated channel subfamily E regulatory subunit 1; minus strand). Cytogenetic location: 21q22.12.
Variant type: single nucleotide variant.
Coding change: c.239T>G on transcript NM_000219.6 (MANE Select); coding-DNA position 239, T replaced by G.
Protein change: p.Val80Gly; replaces valine 80 with glycine.
Molecular consequence: missense variant.
Genome position (GRCh38, 1-based): chr21:34,449,396, A>C on the plus strand (T>G on the coding strand, the complement: KCNE1 is on the minus strand). VCF-style: chr21-34449396-A-C. GRCh37 (hg19) VCF-style: chr21-35821694-A-C.
Other names: c.239T>G, p.Val80Gly (NM_001127668.4, NM_001127669.4, NM_001127670.4 and 4 more transcripts); short protein forms V80G.
Identifiers: ClinVar variation 3374411 (VCV003374411.2).